The following is an entry in ClinVar:

NM_005866.4(SIGMAR1):c.359A>G (p.Tyr120Cys)

Gene: SIGMAR1 (sigma receptor chaperone 1; minus strand). Cytogenetic location: 9p13.3.
Variant type: single nucleotide variant.
Coding change: c.359A>G on transcript NM_005866.4 (MANE Select); coding-DNA position 359, A replaced by G.
Protein change: p.Tyr120Cys; replaces tyrosine 120 with cysteine.
Molecular consequence: missense variant. On other transcripts: non-coding transcript variant (1), intron variant (2).
Genome position (GRCh38, 1-based): chr9:34,637,083, T>C on the plus strand (A>G on the coding strand, the complement: SIGMAR1 is on the minus strand). VCF-style: chr9-34637083-T-C. GRCh37 (hg19) VCF-style: chr9-34637080-T-C.
Other names: c.359A>G, p.Tyr120Cys (NM_001282205.2); c.59A>G, p.Tyr20Cys (NM_001282206.2); c.299A>G, p.Tyr100Cys (NM_001282207.2); c.382A>G, p.Thr128Ala (NM_001282208.2); c.305+184A>G (NM_001282209.2); c.352+137A>G (NM_147157.3); short protein forms T128A, Y120C, Y100C, Y20C.
Identifiers: ClinVar variation 954244 (VCV000954244.10), dbSNP rs778413865, ClinGen allele CA5035886.

ClinVar aggregate classification (germline): Uncertain significance (1 of 4 stars; one submission).

Conditions:
Autosomal recessive distal spinal muscular atrophy 2. Also called: NEURONOPATHY, DISTAL HEREDITARY MOTOR, JERASH TYPE; NEUROPATHY, DISTAL HEREDITARY MOTOR, JERASH TYPE; SPINAL MUSCULAR ATROPHY, JERASH TYPE; NEUROPATHY, DISTAL HEREDITARY MOTOR, AUTOSOMAL RECESSIVE 2; Hereditary motor neuropathy, Jerash type; Motor neuropathy, distal, Jerash type. Identifiers: Orphanet 139552, MedGen C1854023, MONDO:0011585, OMIM 605726.
Amyotrophic lateral sclerosis type 16. Also called: AMYOTROPHIC LATERAL SCLEROSIS 16, JUVENILE. Identifiers: Orphanet 300605, MedGen C3280587, MONDO:0013715, OMIM 614373.

Allele frequency attached by ClinVar (database versions not stated): TOPMed 0.00001; gnomAD exomes 0.00001; ExAC 0.00001; gnomAD 0.00001.

Submission:

Labcorp Genetics (formerly Invitae), Labcorp
Classification: Uncertain significance for Autosomal recessive distal spinal muscular atrophy 2; Amyotrophic lateral sclerosis type 16. Last evaluated: 2022-02-07. Review status: criteria provided, single submitter. Criteria: Invitae Variant Classification Sherloc (09022015). Collection method: clinical testing. Allele origin: germline.
Comment: ClinVar contains an entry for this variant (Variation ID: 954244). This variant has not been reported in the literature in individuals affected with SIGMAR1-related conditions. This variant is present in population databases (rs778413865, gnomAD 0.003%). This sequence change replaces tyrosine, which is neutral and polar, with cysteine, which is neutral and slightly polar, at codon 120 of the SIGMAR1 protein (p.Tyr120Cys). Algorithms developed to predict the effect of missense changes on protein structure and function are either unavailable or do not agree on the potential impact of this missense change (SIFT: "Tolerated"; PolyPhen-2: "Probably Damaging"; Align-GVGD: "Class C25"). In summary, the available evidence is currently insufficient to determine the role of this variant in disease. Therefore, it has been classified as a Variant of Uncertain Significance.